The following is an entry in ClinVar:

NM_005050.4(ABCD4):c.1696G>A (p.Gly566Ser)

Gene: ABCD4 (ATP binding cassette subfamily D member 4; minus strand). Cytogenetic location: 14q24.3.
Variant type: single nucleotide variant.
Coding change: c.1696G>A on transcript NM_005050.4 (MANE Select); coding-DNA position 1696, G replaced by A.
Protein change: p.Gly566Ser; replaces glycine 566 with serine.
Molecular consequence: missense variant. On other transcripts: 3 prime UTR variant (1), non-coding transcript variant (10).
Genome position (GRCh38, 1-based): chr14:74,286,757, C>T on the plus strand (G>A on the coding strand, the complement: ABCD4 is on the minus strand). VCF-style: chr14-74286757-C-T. GRCh37 (hg19) VCF-style: chr14-74753460-C-T.
Other names: c.1570G>A, p.Gly524Ser (NM_001353591.2, NM_001353592.2); c.1435G>A, p.Gly479Ser (NM_001353593.2); c.1384G>A, p.Gly462Ser (NM_001353594.2); c.1282G>A, p.Gly428Ser (NM_001353595.2, NM_001353596.2); c.1231G>A, p.Gly411Ser (NM_001353597.2); c.1219G>A, p.Gly407Ser (NM_001353598.2, NM_001353599.2, NM_001353600.2 and 2 more transcripts); c.907G>A, p.Gly303Ser (NM_001353602.2, NM_001353603.2, NM_001353604.2 and 5 more transcripts); c.*33G>A (NM_001353610.2); and 3 more; short protein forms G303S, G411S, G479S, G407S, G523S, G566S, G462S, G524S.
Identifiers: ClinVar variation 2145781 (VCV002145781.5), dbSNP rs1222404302, ClinGen allele CA390377037.
Genomic context (GRCh38, chr14:74,286,757, plus strand): 5'-GTACCTTCTCAAGGCTCTGCCGATGTCCCACACTGATGAACGTCATCCCCAGCTGCTGGC[C>T]GATGCGATAGAGCTCGCTCTCCACTTCCTCTGTCAGGGCACTGGTGGCTTCATCAAGCAC-3'
Protein context (NP_005041.1, residues 556-576): EEVESELYRI[Gly566Ser]QQLGMTFISV

ClinVar aggregate classification (germline): Uncertain significance. Review status: criteria provided, multiple submitters, no conflicts (2 of 4 stars). 2 submissions from 2 submitters: Uncertain significance (2). Last evaluated 2022-11-17.

Conditions:
Inborn genetic diseases. Identifiers: MedGen C0950123, MeSH D030342.
Methylmalonic acidemia with homocystinuria, type cblJ (MAHCJ). Also called: METHYLMALONIC ACIDURIA AND HOMOCYSTINURIA, cblJ TYPE. Identifiers: Orphanet 369955, MedGen C3553915, MONDO:0013925, OMIM 614857.

Allele frequency attached by ClinVar (database versions not stated): gnomAD exomes 0.00001; TOPMed 0.00001.

Submissions (2):

Ambry Genetics
Classification: Uncertain significance for Inborn genetic diseases. Last evaluated: 2022-11-17. Review status: criteria provided, single submitter. Criteria: Ambry Variant Classification Scheme 2023. Collection method: clinical testing. Allele origin: germline.

Labcorp Genetics (formerly Invitae), Labcorp
Classification: Uncertain significance for Methylmalonic acidemia with homocystinuria, type cblJ. Last evaluated: 2022-05-29. Review status: criteria provided, single submitter. Criteria: Invitae Variant Classification Sherloc (09022015). Collection method: clinical testing. Allele origin: germline.
Comment: This sequence change replaces glycine, which is neutral and non-polar, with serine, which is neutral and polar, at codon 566 of the ABCD4 protein (p.Gly566Ser). This variant is not present in population databases (gnomAD no frequency). This variant has not been reported in the literature in individuals affected with ABCD4-related conditions. Advanced modeling of protein sequence and biophysical properties (such as structural, functional, and spatial information, amino acid conservation, physicochemical variation, residue mobility, and thermodynamic stability) performed at Invitae indicates that this missense variant is not expected to disrupt ABCD4 protein function. In summary, the available evidence is currently insufficient to determine the role of this variant in disease. Therefore, it has been classified as a Variant of Uncertain Significance.